The following is an entry in ClinVar:

NM_194454.3(KRIT1):c.1796A>G (p.Asn599Ser)

Gene: KRIT1 (KRIT1 ankyrin repeat containing; minus strand). Cytogenetic location: 7q21.2.
Variant type: single nucleotide variant.
Coding change: c.1796A>G on transcript NM_194454.3 (MANE Select); coding-DNA position 1796, A replaced by G.
Protein change: p.Asn599Ser; replaces asparagine 599 with serine.
Molecular consequence: missense variant.
Genome position (GRCh38, 1-based): chr7:92,213,914, T>C on the plus strand (A>G on the coding strand, the complement: KRIT1 is on the minus strand). VCF-style: chr7-92213914-T-C. GRCh37 (hg19) VCF-style: chr7-91843228-T-C.
Other names: c.1652A>G, p.Asn551Ser (NM_001013406.2, NM_001350669.1, NM_001350670.1); c.1082A>G, p.Asn361Ser (NM_001350671.1); c.1796A>G, p.Asn599Ser (NM_001350672.1, NM_001350673.1, NM_001350674.1 and 26 more transcripts); short protein forms N599S, N361S, N551S.
Identifiers: ClinVar variation 1495187 (VCV001495187.7), dbSNP rs954641073, ClinGen allele CA161893451.

ClinVar aggregate classification (germline): Uncertain significance. Review status: criteria provided, multiple submitters, no conflicts (2 of 4 stars). 2 submissions from 2 submitters: Uncertain significance (2). Last evaluated 2023-10-25.

Conditions:
Inborn genetic diseases. Identifiers: MedGen C0950123, MeSH D030342.
Cerebral cavernous malformation (CCM). Also called: Cavernous Hemangioma of Brain; CAVERNOUS ANGIOMA, FAMILIAL; CAVERNOUS ANGIOMATOUS MALFORMATIONS; CEREBRAL CAPILLARY MALFORMATIONS; Cerebral cavernous hemangioma (type); Cerebral cavernous malformations. Identifiers: Orphanet 221061, MedGen C2919945, MONDO:0000820, OMIM 116860, HP:0033522.

Allele frequency attached by ClinVar (database versions not stated): gnomAD exomes below 0.00001; TOPMed below 0.00001.
gnomAD v4.1: 2 of 1,606,420 alleles (0.00012%); highest among the groups gnomAD compares: Non-Finnish European, 0.00017%; no homozygotes.

Submissions (2):

Ambry Genetics
Classification: Uncertain significance for Inborn genetic diseases. Last evaluated: 2023-10-25. Review status: criteria provided, single submitter. Criteria: Ambry Variant Classification Scheme 2023. Collection method: clinical testing. Allele origin: germline.

Labcorp Genetics (formerly Invitae), Labcorp
Classification: Uncertain significance for Cerebral cavernous malformation. Last evaluated: 2021-10-29. Review status: criteria provided, single submitter. Criteria: Invitae Variant Classification Sherloc (09022015). Collection method: clinical testing. Allele origin: germline.
Comment: In summary, the available evidence is currently insufficient to determine the role of this variant in disease. Therefore, it has been classified as a Variant of Uncertain Significance. Algorithms developed to predict the effect of missense changes on protein structure and function (SIFT, PolyPhen-2, Align-GVGD) all suggest that this variant is likely to be tolerated. This variant has not been reported in the literature in individuals affected with KRIT1-related conditions. This variant is not present in population databases (gnomAD no frequency). This sequence change replaces asparagine, which is neutral and polar, with serine, which is neutral and polar, at codon 599 of the KRIT1 protein (p.Asn599Ser).